The following is an entry in ClinVar:

NM_006892.4(DNMT3B):c.2361A>C (p.Gln787His)

Gene: DNMT3B (DNA methyltransferase 3 beta; plus strand). Cytogenetic location: 20q11.21.
Variant type: single nucleotide variant.
Coding change: c.2361A>C on transcript NM_006892.4 (MANE Select); coding-DNA position 2361, A replaced by C.
Protein change: p.Gln787His; replaces glutamine 787 with histidine.
Molecular consequence: missense variant. On other transcripts: intron variant (3).
Genome position (GRCh38, 1-based): chr20:32,806,268, A>C. VCF-style: chr20-32806268-A-C. GRCh37 (hg19) VCF-style: chr20-31394074-A-C.
Other names: c.2301A>C, p.Gln767His (NM_175848.2); c.2337A>C, p.Gln779His (NM_175850.3); c.2172-1494A>C (NM_175849.2); c.2046-1494A>C (NM_001207055.2); c.1944-1494A>C (NM_001207056.2); c.2361A>C (NM_006892.3); short protein forms Q779H, Q787H, Q767H.
Identifiers: ClinVar variation 1419819 (VCV001419819.5), dbSNP rs369258965, ClinGen allele CA9810902.

ClinVar aggregate classification (germline): Uncertain significance. Review status: criteria provided, multiple submitters, no conflicts (2 of 4 stars). 2 submissions from 2 submitters: Uncertain significance (2). Last evaluated 2025-01-08.

Conditions:
Centromeric instability of chromosomes 1,9 and 16 and immunodeficiency (ICF1). Also called: Immunodeficiency-centromeric instability-facial anomalies; IMMUNE DEFICIENCY, VARIABLE, WITH CENTROMERIC INSTABILITY OF CHROMOSOMES 1, 9, AND 16; IMMUNODEFICIENCY SYNDROME, VARIABLE; CENTROMERIC INSTABILITY, IMMUNODEFICIENCY SYNDROME. Identifiers: Orphanet 2268, MedGen C0398788, MONDO:0000133.
Inborn genetic diseases. Identifiers: MedGen C0950123, MeSH D030342.

Allele frequency attached by ClinVar (database versions not stated): gnomAD 0.00001.
gnomAD v4.1: 28 of 1,614,010 alleles (0.0017%); highest among the groups gnomAD compares: South Asian, 0.024%; 1 homozygote.

Submissions (2):

Labcorp Genetics (formerly Invitae), Labcorp
Classification: Uncertain significance for Centromeric instability of chromosomes 1,9 and 16 and immunodeficiency. Last evaluated: 2025-01-08. Review status: criteria provided, single submitter. Criteria: Invitae Variant Classification Sherloc (09022015). Collection method: clinical testing. Allele origin: germline.
Comment: This sequence change replaces glutamine, which is neutral and polar, with histidine, which is basic and polar, at codon 787 of the DNMT3B protein (p.Gln787His). This variant is present in population databases (rs369258965, gnomAD 0.02%). This variant has not been reported in the literature in individuals affected with DNMT3B-related conditions. ClinVar contains an entry for this variant (Variation ID: 1419819). Invitae Evidence Modeling of protein sequence and biophysical properties (such as structural, functional, and spatial information, amino acid conservation, physicochemical variation, residue mobility, and thermodynamic stability) has been performed for this missense variant. However, the output from this modeling did not meet the statistical confidence thresholds required to predict the impact of this variant on DNMT3B protein function. In summary, the available evidence is currently insufficient to determine the role of this variant in disease. Therefore, it has been classified as a Variant of Uncertain Significance.

Ambry Genetics
Classification: Uncertain significance for Inborn genetic diseases. Last evaluated: 2024-09-07. Review status: criteria provided, single submitter. Criteria: Ambry Variant Classification Scheme 2023. Collection method: clinical testing. Allele origin: germline.